The following is an entry in ClinVar:

NM_004369.4(COL6A3):c.5996G>A (p.Gly1999Glu)

Gene: COL6A3 (collagen type VI alpha 3 chain; minus strand). Cytogenetic location: 2q37.3.
Variant type: single nucleotide variant.
Coding change: c.5996G>A on transcript NM_004369.4 (MANE Select); coding-DNA position 5996, G replaced by A.
Protein change: p.Gly1999Glu; replaces glycine 1999 with glutamic acid.
Molecular consequence: missense variant.
Genome position (GRCh38, 1-based): chr2:237,363,320, C>T on the plus strand (G>A on the coding strand, the complement: COL6A3 is on the minus strand). VCF-style: chr2-237363320-C-T. GRCh37 (hg19) VCF-style: chr2-238271963-C-T.
Other names: c.5378G>A, p.Gly1793Glu (NM_057167.4); c.4175G>A, p.Gly1392Glu (NM_057166.5); short protein forms G1392E, G1793E, G1999E.
Identifiers: ClinVar variation 3010105 (VCV003010105.3), dbSNP rs752144727, ClinGen allele CA2188504.

ClinVar aggregate classification (germline): Uncertain significance (1 of 4 stars; one submission).

Conditions:
Bethlem myopathy 1A. Also called: MYOPATHY, BENIGN CONGENITAL, WITH CONTRACTURES; Bethlem myopathy 1; Bethlem Muscular Dystrophy. Identifiers: Orphanet 610, MedGen CN029274, MONDO:0024530, OMIM 158810.

Allele frequency attached by ClinVar (database versions not stated): gnomAD exomes below 0.00001; gnomAD 0.00001; ExAC 0.00002.
gnomAD v4.1: 2 of 1,613,934 alleles (0.00012%); highest among the groups gnomAD compares: Non-Finnish European, 0.00017%; no homozygotes.

Submission:

Labcorp Genetics (formerly Invitae), Labcorp
Classification: Uncertain significance for Bethlem myopathy 1A. Last evaluated: 2024-01-08. Review status: criteria provided, single submitter. Criteria: Invitae Variant Classification Sherloc (09022015). Collection method: clinical testing. Allele origin: germline.
Comment: This sequence change replaces glycine, which is neutral and non-polar, with glutamic acid, which is acidic and polar, at codon 1999 of the COL6A3 protein (p.Gly1999Glu). This variant is present in population databases (rs752144727, gnomAD 0.002%). This variant has not been reported in the literature in individuals affected with COL6A3-related conditions. Advanced modeling of protein sequence and biophysical properties (such as structural, functional, and spatial information, amino acid conservation, physicochemical variation, residue mobility, and thermodynamic stability) performed at Invitae indicates that this missense variant is expected to disrupt COL6A3 protein function with a positive predictive value of 80%. In summary, the available evidence is currently insufficient to determine the role of this variant in disease. Therefore, it has been classified as a Variant of Uncertain Significance.